The following is an entry in ClinVar:

NM_001136193.2(FASTKD2):c.1993A>G (p.Met665Val)

Gene: FASTKD2 (FASTK mitochondrial RNA regulator 2; plus strand). Cytogenetic location: 2q33.3.
Variant type: single nucleotide variant.
Coding change: c.1993A>G on transcript NM_001136193.2 (MANE Select); coding-DNA position 1993, A replaced by G.
Protein change: p.Met665Val; replaces methionine 665 with valine.
Molecular consequence: missense variant.
Genome position (GRCh38, 1-based): chr2:206,790,666, A>G. VCF-style: chr2-206790666-A-G. GRCh37 (hg19) VCF-style: chr2-207655390-A-G.
Other names: c.1993A>G, p.Met665Val (NM_001136194.2, NM_014929.4); short protein forms M665V.
Identifiers: ClinVar variation 895081 (VCV000895081.13), dbSNP rs373432793, ClinGen allele CA2075333.

ClinVar aggregate classification (germline): Uncertain significance. Review status: criteria provided, multiple submitters, no conflicts (2 of 4 stars). 5 submissions from 5 submitters: Uncertain significance (5). Last evaluated 2026-02-25.

Conditions:
Mitochondrial complex IV deficiency, nuclear type 1 (MC4DN1). Also called: Mitochondrial complex IV deficiency; Complex 4 mitochondrial respiratory chain deficiency; Deficiency of mitochondrial respiratory chain complex4; Complex IV deficiency; COX DEFICIENCY. Identifiers: MedGen C5435656, MONDO:0700250, OMIM 220110. Disease mechanism: loss of function.
Combined oxidative phosphorylation deficiency 44. Also called: FASTKD2-Related Combined Oxidative Phosphorylation Deficiency. Identifiers: MedGen C5394293, MONDO:0030020, OMIM 618855.
Inborn genetic diseases. Identifiers: MedGen C0950123, MeSH D030342.

Allele frequency attached by ClinVar (database versions not stated): gnomAD exomes 0.00006 and 0.00003; ExAC 0.00008; ESP Exome Variant Server 0.00015; gnomAD 0.00013 and 0.00015; TOPMed 0.00022.
gnomAD v4.1: 71 of 1,602,946 alleles (0.0044%); highest among the groups gnomAD compares: African/African-American, 0.044%; no homozygotes.

Submissions (5):

GeneDx
Classification: Uncertain significance. Last evaluated: 2026-02-25. Review status: criteria provided, single submitter. Criteria: GeneDx Variant Classification Process June 2021. Collection method: clinical testing. Allele origin: germline.
Comment: In silico analysis suggests that this missense variant does not alter protein structure/function; Has not been previously published as pathogenic or benign to our knowledge

Ambry Genetics
Classification: Uncertain significance for Inborn genetic diseases. Last evaluated: 2024-03-31. Review status: criteria provided, single submitter. Criteria: Ambry Variant Classification Scheme 2023. Collection method: clinical testing. Allele origin: germline.

Fulgent Genetics
Classification: Uncertain significance for Combined oxidative phosphorylation deficiency 44. Last evaluated: 2023-12-28. Review status: criteria provided, single submitter. Criteria: ACMG Guidelines, 2015. Collection method: clinical testing. Allele origin: germline.

Labcorp Genetics (formerly Invitae), Labcorp
Classification: Uncertain significance. Last evaluated: 2022-06-27. Review status: criteria provided, single submitter. Criteria: Invitae Variant Classification Sherloc (09022015). Collection method: clinical testing. Allele origin: germline.
Comment: This sequence change replaces methionine, which is neutral and non-polar, with valine, which is neutral and non-polar, at codon 665 of the FASTKD2 protein (p.Met665Val). This variant is present in population databases (rs373432793, gnomAD 0.03%). This variant has not been reported in the literature in individuals affected with FASTKD2-related conditions. ClinVar contains an entry for this variant (Variation ID: 895081). Algorithms developed to predict the effect of missense changes on protein structure and function are either unavailable or do not agree on the potential impact of this missense change (SIFT: "Tolerated"; PolyPhen-2: "Possibly Damaging"; Align-GVGD: "Class C0"). Algorithms developed to predict the effect of sequence changes on RNA splicing suggest that this variant may create or strengthen a splice site. In summary, the available evidence is currently insufficient to determine the role of this variant in disease. Therefore, it has been classified as a Variant of Uncertain Significance.

Illumina Laboratory Services, Illumina
Classification: Uncertain significance for Mitochondrial complex IV deficiency, nuclear type 1. Last evaluated: 2018-01-13. Review status: criteria provided, single submitter. Criteria: ICSL Variant Classification Criteria 13 December 2019. Collection method: clinical testing. Allele origin: germline.